The following is an entry in ClinVar:

NM_004655.4(AXIN2):c.32C>T (p.Pro11Leu)

Gene: AXIN2 (axin 2; minus strand). Cytogenetic location: 17q24.1.
Variant type: single nucleotide variant.
Coding change: c.32C>T on transcript NM_004655.4 (MANE Select); coding-DNA position 32, C replaced by T.
Protein change: p.Pro11Leu; replaces proline 11 with leucine.
Molecular consequence: missense variant.
Genome position (GRCh38, 1-based): chr17:65,558,589, G>A on the plus strand (C>T on the coding strand, the complement: AXIN2 is on the minus strand). VCF-style: chr17-65558589-G-A. GRCh37 (hg19) VCF-style: chr17-63554707-G-A.
Other names: c.32C>T (LRG_296t1); c.32C>T, p.Pro11Leu (NM_001363813.1); short protein forms P11L.
Identifiers: ClinVar variation 649570 (VCV000649570.14), dbSNP rs776778201, ClinGen allele CA8719111.
Genomic context (GRCh38, chr17:65,558,589, plus strand): 5'-CCTTCTTCCCCTGGCACTGGGGGCCGCGGGGCATCCTCACGGAAGCTGCTGCTGGGGTCC[G>A]GGAGGCAAGTCACCAACATAGCGCTACTCATGGTGAGGGAGCTCTTCCCACTGAGTCTGG-3'
Protein context (NP_004646.3, residues 1-21): MSSAMLVTCL[Pro11Leu]DPSSSFREDA

ClinVar aggregate classification (germline): Uncertain significance. Review status: criteria provided, multiple submitters, no conflicts (2 of 4 stars). 2 submissions from 2 submitters: Uncertain significance (2). Last evaluated 2025-08-11.

Conditions:
Hereditary cancer-predisposing syndrome. Also called: Neoplastic Syndromes, Hereditary; Tumor predisposition; Hereditary Cancer Syndrome; Hereditary neoplastic syndrome. Identifiers: Orphanet 140162, MedGen C0027672, MeSH D009386, MONDO:0015356.
Oligodontia-cancer predisposition syndrome. Also called: TOOTH AGENESIS-COLORECTAL CANCER SYNDROME. Identifiers: Orphanet 300576, MedGen C1837750, MONDO:0012075, OMIM 608615. Disease mechanism: loss of function.

Allele frequency attached by ClinVar (database versions not stated): gnomAD exomes below 0.00001 and 0.00001; ExAC 0.00002.
gnomAD v4.1: 4 of 1,610,176 alleles (0.00025%); highest among the groups gnomAD compares: South Asian, 0.0011%; no homozygotes.

Submissions (2):

Labcorp Genetics (formerly Invitae), Labcorp
Classification: Uncertain significance for Oligodontia-cancer predisposition syndrome. Last evaluated: 2025-08-11. Review status: criteria provided, single submitter. Criteria: Invitae Variant Classification Sherloc (09022015). Collection method: clinical testing. Allele origin: germline.
Comment: This sequence change replaces proline, which is neutral and non-polar, with leucine, which is neutral and non-polar, at codon 11 of the AXIN2 protein (p.Pro11Leu). This variant is present in population databases (rs776778201, gnomAD 0.002%). This variant has not been reported in the literature in individuals affected with AXIN2-related conditions. ClinVar contains an entry for this variant (Variation ID: 649570). An algorithm developed to predict the effect of missense changes on protein structure and function (PolyPhen-2) suggests that this variant is likely to be disruptive. In summary, the available evidence is currently insufficient to determine the role of this variant in disease. Therefore, it has been classified as a Variant of Uncertain Significance.

Ambry Genetics
Classification: Uncertain significance for Hereditary cancer-predisposing syndrome. Last evaluated: 2025-05-17. Review status: criteria provided, single submitter. Criteria: Ambry Variant Classification Scheme 2023. Collection method: clinical testing. Allele origin: germline.
Comment: The p.P11L variant (also known as c.32C>T), located in coding exon 1 of the AXIN2 gene, results from a C to T substitution at nucleotide position 32. The proline at codon 11 is replaced by leucine, an amino acid with similar properties. This amino acid position is not well conserved in available vertebrate species. In addition, this alteration is predicted to be tolerated by in silico analysis. Since supporting evidence is limited at this time, the clinical significance of this alteration remains unclear.